The following is an entry in ClinVar:

NM_015512.5(DNAH1):c.4772C>T (p.Thr1591Ile)

Gene: DNAH1 (dynein axonemal heavy chain 1; plus strand). Cytogenetic location: 3p21.1.
Variant type: single nucleotide variant.
Coding change: c.4772C>T on transcript NM_015512.5 (MANE Select); coding-DNA position 4772, C replaced by T.
Protein change: p.Thr1591Ile; replaces threonine 1591 with isoleucine.
Molecular consequence: missense variant.
Genome position (GRCh38, 1-based): chr3:52,361,250, C>T. VCF-style: chr3-52361250-C-T. GRCh37 (hg19) VCF-style: chr3-52395266-C-T.
Other names: short protein forms T1591I.
Identifiers: ClinVar variation 580346 (VCV000580346.6), dbSNP rs1559529321, ClinGen allele CA353133798.
Genomic context (GRCh38, chr3:52,361,250, plus strand): 5'-TGCACCTCAAGTTTGGGGGTGCCCCAGCTGGCCCAGCTGGCACAGGCAAAACTGAGACCA[C>T]CAAAGACCTGGGTAAGGCCTTGGCCATACAGACCGTTGTGTTCAACTGCTCTGACCAGCT-3'
Protein context (NP_056327.4, residues 1581-1601): GPAGTGKTET[Thr1591Ile]KDLGKALAIQ

ClinVar aggregate classification (germline): Uncertain significance (1 of 4 stars; one submission).

Conditions:
Spermatogenic failure 18. Identifiers: MedGen C4539783, MONDO:0054615, OMIM 617576.
Ciliary dyskinesia, primary, 37 (CILD37). Also called: CILIARY DYSKINESIA, PRIMARY, 37, WITH OR WITHOUT SITUS INVERSUS. Identifiers: MedGen C4539798, MONDO:0033204, OMIM 617577.

Allele frequency attached by ClinVar (database versions not stated): gnomAD exomes below 0.00001.
gnomAD v4.1: 4 of 1,613,112 alleles (0.00025%); highest among the groups gnomAD compares: Non-Finnish European, 0.00034%; no homozygotes.

Submission:

Labcorp Genetics (formerly Invitae), Labcorp
Classification: Uncertain significance for Ciliary dyskinesia, primary, 37; Spermatogenic failure 18. Last evaluated: 2025-03-26. Review status: criteria provided, single submitter. Criteria: Invitae Variant Classification Sherloc (09022015). Collection method: clinical testing. Allele origin: germline.
Comment: This sequence change replaces threonine, which is neutral and polar, with isoleucine, which is neutral and non-polar, at codon 1591 of the DNAH1 protein (p.Thr1591Ile). This variant is not present in population databases (gnomAD no frequency). This variant has not been reported in the literature in individuals affected with DNAH1-related conditions. ClinVar contains an entry for this variant (Variation ID: 580346). Invitae Evidence Modeling of protein sequence and biophysical properties (such as structural, functional, and spatial information, amino acid conservation, physicochemical variation, residue mobility, and thermodynamic stability) indicates that this missense variant is not expected to disrupt DNAH1 protein function with a negative predictive value of 80%. In summary, the available evidence is currently insufficient to determine the role of this variant in disease. Therefore, it has been classified as a Variant of Uncertain Significance.